The following is an entry in ClinVar:

ClinVar aggregate classification (germline): Uncertain significance. Review status: criteria provided, multiple submitters, no conflicts (2 of 4 stars). 2 submissions from 2 submitters: Uncertain significance (2). Last evaluated 2025-04-01.

Conditions:
Hereditary cancer-predisposing syndrome. Also called: Hereditary Cancer Syndrome; Hereditary neoplastic syndrome; Neoplastic Syndromes, Hereditary; Tumor predisposition. Identifiers: Orphanet 140162, MedGen C0027672, MeSH D009386, MONDO:0015356.

Submissions (2):

Ambry Genetics
Classification: Uncertain significance for Hereditary cancer-predisposing syndrome. Last evaluated: 2025-04-01. Review status: criteria provided, single submitter. Criteria: Ambry Variant Classification Scheme 2023. Collection method: clinical testing. Allele origin: germline.
Comment: The p.Y1398S variant (also known as c.4193A>C), located in coding exon 33 of the POLE gene, results from an A to C substitution at nucleotide position 4193. The tyrosine at codon 1398 is replaced by serine, an amino acid with dissimilar properties. This amino acid position is conserved. In addition, this alteration is predicted to be deleterious by in silico analysis. Based on the available evidence, the clinical significance of this variant remains unclear.

Labcorp Genetics (formerly Invitae), Labcorp
Classification: Uncertain significance. Last evaluated: 2024-09-04. Review status: criteria provided, single submitter. Criteria: Invitae Variant Classification Sherloc (09022015). Collection method: clinical testing. Allele origin: germline.
Comment: This sequence change replaces tyrosine, which is neutral and polar, with serine, which is neutral and polar, at codon 1398 of the POLE protein (p.Tyr1398Ser). This variant is not present in population databases (gnomAD no frequency). This variant has not been reported in the literature in individuals affected with POLE-related conditions. ClinVar contains an entry for this variant (Variation ID: 1738585). Invitae Evidence Modeling of protein sequence and biophysical properties (such as structural, functional, and spatial information, amino acid conservation, physicochemical variation, residue mobility, and thermodynamic stability) has been performed for this missense variant. However, the output from this modeling did not meet the statistical confidence thresholds required to predict the impact of this variant on POLE protein function. In summary, the available evidence is currently insufficient to determine the role of this variant in disease. Therefore, it has been classified as a Variant of Uncertain Significance.

NM_006231.4(POLE):c.4193A>C (p.Tyr1398Ser)

Gene: POLE (DNA polymerase epsilon, catalytic subunit; minus strand). Cytogenetic location: 12q24.33.
Variant type: single nucleotide variant.
Coding change: c.4193A>C on transcript NM_006231.4 (MANE Select); coding-DNA position 4193, A replaced by C.
Protein change: p.Tyr1398Ser; replaces tyrosine 1398 with serine.
Molecular consequence: missense variant.
Genome position (GRCh38, 1-based): chr12:132,643,934, T>G on the plus strand (A>C on the coding strand, the complement: POLE is on the minus strand). VCF-style: chr12-132643934-T-G. GRCh37 (hg19) VCF-style: chr12-133220520-T-G.
Other names: short protein forms Y1398S.
Identifiers: ClinVar variation 1738585 (VCV001738585.8), dbSNP rs878854868, ClinGen allele CA387382341.
Genomic context (GRCh38, chr12:132,643,934, plus strand): 5'-AGCTCAGCGTTGATCTCGTTGATGTGTTCCTGGTACATGTCCTCTGGCACTGAATACTCA[T>G]AGAGATTGTAGACCATGTTGGAGCGAGGAAGGACCCGATTTACCTGGCGAGAATACGACG-3'
Protein context (NP_006222.2, residues 1388-1408): LPRSNMVYNL[Tyr1398Ser]EYSVPEDMYQ